The following is an entry in ClinVar:

NC_000009.11:g.(?_103008898)_(103009069_?)del

Gene: INVS (inversin; plus strand). Cytogenetic location: 9q31.1.
Variant type: Deletion.
Identifiers: ClinVar variation 1073845 (VCV001073845.5).

ClinVar aggregate classification (germline): Pathogenic (1 of 4 stars; one submission).

Conditions:
Nephronophthisis. Also called: Juvenile Nephronophthisis. Identifiers: Orphanet 655, MedGen C0687120, MONDO:0019005, HP:0000090.

Submission:

Labcorp Genetics (formerly Invitae), Labcorp
Classification: Pathogenic for Nephronophthisis. Last evaluated: 2020-03-05. Review status: criteria provided, single submitter. Criteria: Invitae Variant Classification Sherloc (09022015). Collection method: clinical testing. Allele origin: germline.
Comment: For these reasons, this variant has been classified as Pathogenic. Loss-of-function variants in INVS are known to be pathogenic (PMID: 12872123). This variant has not been reported in the literature in individuals with INVS-related conditions. This variant is an out-of-frame deletion of the genomic region encompassing exon 8 of the INVS gene. This is expected to create a premature translational stop signal and result in an absent or disrupted protein product.

Literature cited by the submitters: PubMed 12872123.